The following is an entry in ClinVar:

ClinVar aggregate classification (germline): Uncertain significance. Review status: criteria provided, multiple submitters, no conflicts (2 of 4 stars). 2 submissions from 2 submitters: Uncertain significance (2). Last evaluated 2021-11-04.

Conditions:
Idiopathic generalized epilepsy. Also called: Generalised epilepsy; EIG. Identifiers: MedGen C0270850, MONDO:0005579, OMIM 600669.
Hyperaldosteronism, familial, type IV (HALD4). Also called: FH IV; ALDOSTERONISM, PRIMARY, AND HYPERTENSION. Identifiers: Orphanet 642671, MedGen C4310756, MONDO:0014875, OMIM 617027.
Epilepsy, childhood absence, susceptibility to, 6. Identifiers: Orphanet 64280, MedGen C2749872, MONDO:0012763, OMIM 611942.

Allele frequency attached by ClinVar (database versions not stated): gnomAD exomes below 0.00001; gnomAD 0.00001; TOPMed 0.00001.

Submissions (2):

Labcorp Genetics (formerly Invitae), Labcorp
Classification: Uncertain significance for Idiopathic generalized epilepsy; Hyperaldosteronism, familial, type IV. Last evaluated: 2021-11-04. Review status: criteria provided, single submitter. Criteria: Invitae Variant Classification Sherloc (09022015). Collection method: clinical testing. Allele origin: germline.
Comment: This sequence change replaces methionine, which is neutral and non-polar, with threonine, which is neutral and polar, at codon 1933 of the CACNA1H protein (p.Met1933Thr). This variant is not present in population databases (gnomAD no frequency). This variant has not been reported in the literature in individuals affected with CACNA1H-related conditions. ClinVar contains an entry for this variant (Variation ID: 643746). Advanced modeling of protein sequence and biophysical properties (such as structural, functional, and spatial information, amino acid conservation, physicochemical variation, residue mobility, and thermodynamic stability) performed at Invitae indicates that this missense variant is not expected to disrupt CACNA1H protein function. In summary, the available evidence is currently insufficient to determine the role of this variant in disease. Therefore, it has been classified as a Variant of Uncertain Significance.

Baylor Genetics
Classification: Uncertain significance for Epilepsy, childhood absence, susceptibility to, 6. Last evaluated: 2020-12-02. Review status: criteria provided, single submitter. Criteria: ACMG Guidelines, 2015. Collection method: clinical testing. Allele origin: paternal. Affected: yes.
Comment: This variant was determined to be of uncertain significance according to ACMG Guidelines, 2015 [PMID:25741868].

NM_021098.3(CACNA1H):c.5798T>C (p.Met1933Thr)

Gene: CACNA1H (calcium voltage-gated channel subunit alpha1 H; plus strand). Cytogenetic location: 16p13.3.
Variant type: single nucleotide variant.
Coding change: c.5798T>C on transcript NM_021098.3 (MANE Select); coding-DNA position 5798, T replaced by C.
Protein change: p.Met1933Thr; replaces methionine 1933 with threonine.
Molecular consequence: missense variant.
Genome position (GRCh38, 1-based): chr16:1,218,562, T>C. VCF-style: chr16-1218562-T-C. GRCh37 (hg19) VCF-style: chr16-1268562-T-C.
Other names: c.5780T>C, p.Met1927Thr (NM_001005407.2); short protein forms M1933T, M1927T.
Identifiers: ClinVar variation 643746 (VCV000643746.9), dbSNP rs1175867441, ClinGen allele CA394147915.